The following is an entry in ClinVar:

NM_006231.4(POLE):c.3737C>G (p.Thr1246Arg)

Gene: POLE (DNA polymerase epsilon, catalytic subunit; minus strand). Cytogenetic location: 12q24.33.
Variant type: single nucleotide variant.
Coding change: c.3737C>G on transcript NM_006231.4 (MANE Select); coding-DNA position 3737, C replaced by G.
Protein change: p.Thr1246Arg; replaces threonine 1246 with arginine.
Molecular consequence: missense variant.
Genome position (GRCh38, 1-based): chr12:132,649,735, G>C on the plus strand (C>G on the coding strand, the complement: POLE is on the minus strand). VCF-style: chr12-132649735-G-C. GRCh37 (hg19) VCF-style: chr12-133226321-G-C.
Other names: c.3737C>G (NM_006231.2); short protein forms T1246R.
Identifiers: ClinVar variation 473619 (VCV000473619.11), dbSNP rs750902578, ClinGen allele CA6893127.

ClinVar aggregate classification (germline): Conflicting classifications of pathogenicity. Review status: criteria provided, conflicting classifications (1 of 4 stars). 3 submissions from 3 submitters: Uncertain significance (2); Likely benign (1). Last evaluated 2026-01-04.

Conditions:
Hereditary cancer-predisposing syndrome. Also called: Neoplastic Syndromes, Hereditary; Tumor predisposition; Hereditary Cancer Syndrome; Hereditary neoplastic syndrome. Identifiers: Orphanet 140162, MedGen C0027672, MeSH D009386, MONDO:0015356.

Allele frequency attached by ClinVar (database versions not stated): TOPMed 0.00002.
gnomAD v4.1: 10 of 1,614,094 alleles (0.00062%); highest among the groups gnomAD compares: South Asian, 0.0033%; no homozygotes.

Submissions (3):

Labcorp Genetics (formerly Invitae), Labcorp
Classification: Uncertain significance. Last evaluated: 2026-01-04. Review status: criteria provided, single submitter. Criteria: Invitae Variant Classification Sherloc (09022015). Collection method: clinical testing. Allele origin: germline.
Comment: This sequence change replaces threonine, which is neutral and polar, with arginine, which is basic and polar, at codon 1246 of the POLE protein (p.Thr1246Arg). This variant is present in population databases (rs750902578, gnomAD 0.003%). This variant has not been reported in the literature in individuals affected with POLE-related conditions. ClinVar contains an entry for this variant (Variation ID: 473619). Invitae Evidence Modeling of protein sequence and biophysical properties (such as structural, functional, and spatial information, amino acid conservation, physicochemical variation, residue mobility, and thermodynamic stability) indicates that this missense variant is not expected to disrupt POLE protein function with a negative predictive value of 80%. In summary, the available evidence is currently insufficient to determine the role of this variant in disease. Therefore, it has been classified as a Variant of Uncertain Significance.

Ambry Genetics
Classification: Likely benign for Hereditary cancer-predisposing syndrome. Last evaluated: 2025-01-06. Review status: criteria provided, single submitter. Criteria: Ambry Variant Classification Scheme 2023. Collection method: clinical testing. Allele origin: germline.

GeneDx
Classification: Uncertain significance. Last evaluated: 2019-12-03. Review status: criteria provided, single submitter. Criteria: GeneDx Variant Classification Process June 2021. Collection method: clinical testing. Allele origin: germline. Affected: yes.
Comment: In silico analysis, which includes protein predictors and evolutionary conservation, supports that this variant does not alter protein structure/function; Has not been previously published as pathogenic or benign to our knowledge